The following is an entry in ClinVar:

NM_016239.4(MYO15A):c.10585del (p.Leu3529fs)

Gene: MYO15A (myosin XVA; plus strand). Cytogenetic location: 17p11.2.
Variant type: Deletion.
Coding change: c.10585del on transcript NM_016239.4 (MANE Select); coding-DNA position 10585, one base deleted (C; older notation c.10585delC).
Protein change: p.Leu3529fs; shifts the reading frame from leucine 3529.
Molecular consequence: frameshift variant.
Genome position (GRCh38, 1-based): chr17:18,178,862, C deleted; the last of 3 consecutive C bases (chr17:18,178,860-18,178,862); deleting any one gives the same sequence. VCF-style (leftmost placement, unchanged base first): chr17-18178859-AC-A. GRCh37 (hg19) VCF-style: chr17-18082173-AC-A.
Other names: c.10584delC (NM_016239.4); short protein forms L3529fs.
Identifiers: ClinVar variation 984793 (VCV000984793.1), dbSNP rs2047052213, ClinGen allele CA1139665273.

ClinVar aggregate classification (germline): Pathogenic (1 of 4 stars; one submission).

Conditions:
Autosomal recessive nonsyndromic hearing loss 3. Also called: NEUROSENSORY NONSYNDROMIC RECESSIVE DEAFNESS 3. Identifiers: Orphanet 90636, MedGen C1838263, MONDO:0010860, OMIM 600316.

Submission:

Laboratory of Prof. Karen Avraham, Tel Aviv University
Classification: Pathogenic for Autosomal recessive nonsyndromic hearing loss 3. Last evaluated: 2020-10-27. Review status: criteria provided, single submitter. Criteria: ACMG Guidelines, 2015. Collection method: research. Allele origin: germline. Affected: yes.
Comment: Recessive, congenital SNHL

Homozygous or compound heterozygous with NM_016239.4:c.8090T>C